The following is an entry in ClinVar:

ClinVar aggregate classification (germline): Uncertain significance. Review status: criteria provided, multiple submitters, no conflicts (2 of 4 stars). 2 submissions from 2 submitters: Uncertain significance (2). Last evaluated 2025-03-24.

Allele frequency attached by ClinVar (database versions not stated): gnomAD exomes below 0.00001 and 0.00001; gnomAD 0.00001.
gnomAD v4.1: 14 of 1,614,060 alleles (0.00087%); highest among the groups gnomAD compares: Admixed American, 0.005%; no homozygotes.

Submissions (2):

Ambry Genetics
Classification: Uncertain significance. Last evaluated: 2025-03-24. Review status: criteria provided, single submitter. Criteria: Ambry Variant Classification Scheme 2023. Collection method: clinical testing. Allele origin: germline.

Labcorp Genetics (formerly Invitae), Labcorp
Classification: Uncertain significance. Last evaluated: 2023-06-26. Review status: criteria provided, single submitter. Criteria: Invitae Variant Classification Sherloc (09022015). Collection method: clinical testing. Allele origin: germline.
Comment: In summary, the available evidence is currently insufficient to determine the role of this variant in disease. Therefore, it has been classified as a Variant of Uncertain Significance. Advanced modeling of protein sequence and biophysical properties (such as structural, functional, and spatial information, amino acid conservation, physicochemical variation, residue mobility, and thermodynamic stability) performed at Invitae indicates that this missense variant is expected to disrupt ACOX2 protein function. ClinVar contains an entry for this variant (Variation ID: 1430578). This variant has not been reported in the literature in individuals affected with ACOX2-related conditions. This variant is present in population databases (no rsID available, gnomAD 0.003%). This sequence change replaces arginine, which is basic and polar, with cysteine, which is neutral and slightly polar, at codon 323 of the ACOX2 protein (p.Arg323Cys).

NM_003500.4(ACOX2):c.967C>T (p.Arg323Cys)

Gene: ACOX2 (acyl-CoA oxidase 2; minus strand). Cytogenetic location: 3p14.3.
Variant type: single nucleotide variant.
Coding change: c.967C>T on transcript NM_003500.4 (MANE Select); coding-DNA position 967, C replaced by T.
Protein change: p.Arg323Cys; replaces arginine 323 with cysteine.
Molecular consequence: missense variant.
Genome position (GRCh38, 1-based): chr3:58,530,491, G>A on the plus strand (C>T on the coding strand, the complement: ACOX2 is on the minus strand). VCF-style: chr3-58530491-G-A. GRCh37 (hg19) VCF-style: chr3-58516218-G-A.
Other names: c.967C>T (NM_003500.3); short protein forms R323C.
Identifiers: ClinVar variation 1430578 (VCV001430578.7), dbSNP rs941553281, ClinGen allele CA75514932.